The following is an entry in ClinVar:

ClinVar aggregate classification (germline): Uncertain significance (1 of 4 stars; one submission).

Submission:

GeneDx
Classification: Uncertain significance. Last evaluated: 2019-06-10. Review status: criteria provided, single submitter. Criteria: GeneDx Variant Classification Process June 2021. Collection method: clinical testing. Allele origin: germline. Affected: yes.
Comment: Not observed in large population cohorts (Lek et al., 2016); In silico analysis, which includes protein predictors and evolutionary conservation, supports a deleterious effect; Has not been previously published as pathogenic or benign to our knowledge

NM_024665.7(TBL1XR1):c.515T>G (p.Val172Gly)

Gene: TBL1XR1 (TBL1X/Y related 1; minus strand). Cytogenetic location: 3q26.32.
Variant type: single nucleotide variant.
Coding change: c.515T>G on transcript NM_024665.7 (MANE Select); coding-DNA position 515, T replaced by G.
Protein change: p.Val172Gly; replaces valine 172 with glycine.
Molecular consequence: missense variant.
Genome position (GRCh38, 1-based): chr3:177,050,523, A>C on the plus strand (T>G on the coding strand, the complement: TBL1XR1 is on the minus strand). VCF-style: chr3-177050523-A-C. GRCh37 (hg19) VCF-style: chr3-176768311-A-C.
Other names: c.515T>G, p.Val172Gly (NM_001321193.3, NM_001321194.3, NM_001374327.1 and 2 more transcripts); c.254T>G, p.Val85Gly (NM_001321195.3, NM_001374330.1); short protein forms V172G, V85G.
Identifiers: ClinVar variation 1306214 (VCV001306214.2), dbSNP rs2108492318, ClinGen allele CA355552813.